The following is an entry in ClinVar:

NM_001379451.1(BCORL1):c.305C>T (p.Ala102Val)

Gene: BCORL1 (BCL6 corepressor like 1; plus strand). Cytogenetic location: Xq26.1.
Variant type: single nucleotide variant.
Coding change: c.305C>T on transcript NM_001379451.1 (MANE Select); coding-DNA position 305, C replaced by T.
Protein change: p.Ala102Val; replaces alanine 102 with valine.
Molecular consequence: missense variant.
Genome position (GRCh38, 1-based): chrX:130,013,077, C>T. VCF-style: chrX-130013077-C-T. GRCh37 (hg19) VCF-style: chrX-129147053-C-T.
Other names: c.305C>T, p.Ala102Val (NM_001184772.3, NM_001379450.1, NM_001441326.1 and 7 more transcripts); short protein forms A102V.
Identifiers: ClinVar variation 4689912 (VCV004689912.1).
Genomic context (GRCh38, chrX:130,013,077, plus strand): 5'-AAAAACTTGGGCACAAGTCAGAAGACAAGCCTGACGATCCCCAGCCAAAAATGGACTACG[C>T]TGGGAACGTGGCAGAGGCTGAGGGCCTCTTGGTGCCCCTGAGCAGCCCAGGAGACGGGCT-3'
Protein context (NP_001366380.1, residues 92-112): PDDPQPKMDY[Ala102Val]GNVAEAEGLL

ClinVar aggregate classification (germline): Uncertain significance (1 of 4 stars; one submission).

Submission:

GeneDx
Classification: Uncertain significance. Last evaluated: 2025-07-29. Review status: criteria provided, single submitter. Criteria: GeneDx Variant Classification Process June 2021. Collection method: clinical testing. Allele origin: germline. Affected: yes.
Comment: Not observed at significant frequency in large population cohorts (gnomAD); In silico analysis suggests that this missense variant does not alter protein structure/function; Has not been previously published as pathogenic or benign to our knowledge